The following is an entry in ClinVar:

ClinVar aggregate classification (germline): Uncertain significance (1 of 4 stars; one submission).

Submission:

GeneDx
Classification: Uncertain significance. Last evaluated: 2025-08-12. Review status: criteria provided, single submitter. Criteria: GeneDx Variant Classification Process June 2021. Collection method: clinical testing. Allele origin: germline. Affected: yes.
Comment: Not observed at significant frequency in large population cohorts (gnomAD); In silico analysis supports that this missense variant has a deleterious effect on protein structure/function; Has not been previously published as pathogenic or benign to our knowledge

NM_006940.6(SOX5):c.2249A>G (p.Tyr750Cys)

Gene: SOX5 (SRY-box transcription factor 5; minus strand). Cytogenetic location: 12p12.1.
Variant type: single nucleotide variant.
Coding change: c.2249A>G on transcript NM_006940.6 (MANE Select); coding-DNA position 2249, A replaced by G.
Protein change: p.Tyr750Cys; replaces tyrosine 750 with cysteine.
Molecular consequence: missense variant.
Genome position (GRCh38, 1-based): chr12:23,534,262, T>C on the plus strand (A>G on the coding strand, the complement: SOX5 is on the minus strand). VCF-style: chr12-23534262-T-C. GRCh37 (hg19) VCF-style: chr12-23687196-T-C.
Other names: c.1886A>G, p.Tyr629Cys (NM_001261414.3); c.2219A>G, p.Tyr740Cys (NM_001261415.3); c.2144A>G, p.Tyr715Cys (NM_001330785.2); c.2210A>G, p.Tyr737Cys (NM_152989.5); c.1091A>G, p.Tyr364Cys (NM_178010.4); short protein forms Y364C, Y629C, Y737C, Y715C, Y750C, Y740C.
Identifiers: ClinVar variation 4795278 (VCV004795278.1).